The following is an entry in ClinVar:

ClinVar aggregate classification (germline): Likely pathogenic (1 of 4 stars; one submission).

Conditions:
Mucopolysaccharidosis, MPS-II (MPS2). Also called: Hunter Syndrome; IDURONATE 2-SULFATASE DEFICIENCY; Mucopolysaccharidosis Type II; Mucopolysaccharidosis type 2; Attenuated MPS (subtype; formerly known as mild MPS II); Severe MPS II. Identifiers: Orphanet 580, Orphanet 79388, MedGen C0026705, MONDO:0010674, OMIM 309900.

Submission:

Laboratory of Diagnosis and Therapy of Lysosomal Disorders, University of Padova
Classification: Likely pathogenic for Mucopolysaccharidosis, MPS-II. Last evaluated: 2024-06-07. Review status: criteria provided, single submitter. Criteria: ACMG Guidelines, 2015. Collection method: literature only. Allele origin: germline. Affected: yes. Observed: 6 variant alleles.
Comment: Prevalence of the variant significantly increased in affected individuals compared with controls (PS4_Supporting), Absent from controls (or at low frequency) in gnomAD database (PM2_Moderate), Cosegregation with disease in multiple affected family members (PP1_Moderate), Patient’s phenotype or family history highly specific for the disease (PP4_Strong)

Classification method: ACMG Guidelines [PMID:25741868] with modifications

Literature cited by the submitters: PubMed 17063374; PubMed 23867855; PubMed 33960103; PubMed 21829674; PubMed 30639582; PubMed 36945845.

NM_000202.8(IDS):c.880-8A>G

Genes: IDS (iduronate 2-sulfatase; minus strand), LOC106050102 (IDS recombination region; plus strand). Cytogenetic location: Xq28.
Variant type: single nucleotide variant.
Coding change: c.880-8A>G on transcript NM_000202.8 (MANE Select); 8 bases into the intron before coding-DNA position 880, A replaced by G.
Molecular consequence: intron variant.
Genome position (GRCh38, 1-based): chrX:149,490,448, T>C on the plus strand (A>G on the coding strand, the complement: IDS is on the minus strand). VCF-style: chrX-149490448-T-C. GRCh37 (hg19) VCF-style: chrX-148571979-T-C.
Other names: c.610-8A>G (NM_001166550.4); c.880-8A>G (NM_006123.5).
Identifiers: ClinVar variation 3255870 (VCV003255870.2).